The following is an entry in ClinVar:

NM_001003699.4(RREB1):c.2648C>T (p.Ser883Leu)

Gene: RREB1 (ras responsive element binding protein 1; plus strand). Cytogenetic location: 6p24.3.
Variant type: single nucleotide variant.
Coding change: c.2648C>T on transcript NM_001003699.4 (MANE Select); coding-DNA position 2648, C replaced by T.
Protein change: p.Ser883Leu; replaces serine 883 with leucine.
Molecular consequence: missense variant.
Genome position (GRCh38, 1-based): chr6:7,230,747, C>T. VCF-style: chr6-7230747-C-T. GRCh37 (hg19) VCF-style: chr6-7230980-C-T.
Other names: c.2648C>T, p.Ser883Leu (NM_001003698.4, NM_001003700.2, NM_001168344.2); short protein forms S883L.
Identifiers: ClinVar variation 3026294 (VCV003026294.22), dbSNP rs374803766, ClinGen allele CA3625892.

ClinVar aggregate classification (germline): Likely benign (1 of 4 stars; one submission).

Allele frequency attached by ClinVar (database versions not stated): TOPMed 0.00003; ExAC 0.00004; gnomAD 0.00005; ESP Exome Variant Server 0.00008.
gnomAD v4.1: 57 of 1,608,214 alleles (0.0035%); highest among the groups gnomAD compares: Non-Finnish European, 0.0045%; no homozygotes.

Submission:

CeGaT Center for Human Genetics Tuebingen
Classification: Likely benign. Last evaluated: 2023-12-01. Review status: criteria provided, single submitter. Criteria: CeGaT Center For Human Genetics Tuebingen Variant Classification Criteria Version 2. Collection method: clinical testing. Allele origin: germline. Affected: yes. Observed: 1 variant allele.
Comment: RREB1: BP4